The following is an entry in ClinVar:

ClinVar aggregate classification (germline): Uncertain significance (1 of 4 stars; one submission).

Conditions:
Hereditary diffuse gastric adenocarcinoma (HDGC). Also called: DIFFUSE GASTRIC AND LOBULAR BREAST CANCER SYNDROME. Identifiers: Orphanet 26106, MedGen C1708349, MONDO:0007648, OMIM 137215.

Submission:

Labcorp Genetics (formerly Invitae), Labcorp
Classification: Uncertain significance for Hereditary diffuse gastric adenocarcinoma. Last evaluated: 2022-12-04. Review status: criteria provided, single submitter. Criteria: Invitae Variant Classification Sherloc (09022015). Collection method: clinical testing. Allele origin: unknown.
Comment: In summary, the available evidence is currently insufficient to determine the role of this variant in disease. Therefore, it has been classified as a Variant of Uncertain Significance. Experimental studies and prediction algorithms are not available or were not evaluated, and the functional significance of this variant is currently unknown. This variant has not been reported in the literature in individuals affected with CDH1-related conditions. This variant results in a copy number gain of the genomic region encompassing exon(s) 16 of the CDH1 gene. This region includes the termination codon of the gene. This copy number gain extends beyond the assayed region for this gene and therefore may encompass additional genes. As the precise location of this event is unknown, it may be in tandem or it may be located elsewhere in the genome.

NC_000016.9:g.(?_68867183)_(68867402_?)dup

Gene: CDH1 (cadherin 1; plus strand). Cytogenetic location: 16q22.1.
Variant type: Duplication.
Identifiers: ClinVar variation 3243401 (VCV003243401.1).